The following is an entry in ClinVar:

NM_000059.4(BRCA2):c.4351del (p.Asp1451fs)

Gene: BRCA2 (BRCA2 DNA repair associated; plus strand). Cytogenetic location: 13q13.1.
Variant type: Deletion.
Coding change: c.4351del on transcript NM_000059.4 (MANE Select); coding-DNA position 4351, one base deleted (G; older notation c.4351delG).
Protein change: p.Asp1451fs; shifts the reading frame from aspartic acid 1451.
Molecular consequence: frameshift variant. On other transcripts: non-coding transcript variant (1), intron variant (2).
Genome position (GRCh38, 1-based): chr13:32,338,706, G deleted. VCF-style (leftmost placement, unchanged base first): chr13-32338705-TG-T. GRCh37 (hg19) VCF-style: chr13-32912842-TG-T.
Other names: c.4351del, p.Asp1451fs (NM_001406719.1, NM_001406720.1, NM_001432077.1); c.1909+5319del (NM_001406721.1); c.425-5852del (NM_001406722.1); short protein forms D1451fs.
Identifiers: ClinVar variation 4215279 (VCV004215279.1).

ClinVar aggregate classification (germline): Pathogenic (1 of 4 stars; one submission).

Conditions:
Hereditary cancer-predisposing syndrome. Also called: Neoplastic Syndromes, Hereditary; Tumor predisposition; Hereditary Cancer Syndrome; Hereditary neoplastic syndrome. Identifiers: Orphanet 140162, MedGen C0027672, MeSH D009386, MONDO:0015356.

Submission:

Ambry Genetics
Classification: Pathogenic for Hereditary cancer-predisposing syndrome. Last evaluated: 2025-06-30. Review status: criteria provided, single submitter. Criteria: Ambry Variant Classification Scheme 2023. Collection method: clinical testing. Allele origin: germline.
Comment: The c.4351delG pathogenic mutation, located in coding exon 10 of the BRCA2 gene, results from a deletion of one nucleotide at nucleotide position 4351, causing a translational frameshift with a predicted alternate stop codon (p.D1451Ifs*12). This variant is considered to be rare based on population cohorts in the Genome Aggregation Database (gnomAD). This alteration is expected to result in loss of function by premature protein truncation or nonsense-mediated mRNA decay. As such, this alteration is interpreted as a disease-causing mutation.